The following is an entry in ClinVar:

NM_198904.4(GABRG2):c.1331T>C (p.Ile444Thr)

Gene: GABRG2 (gamma-aminobutyric acid type A receptor subunit gamma2; plus strand). Cytogenetic location: 5q34.
Variant type: single nucleotide variant.
Coding change: c.1331T>C on transcript NM_198904.4 (MANE Select); coding-DNA position 1331, T replaced by C.
Protein change: p.Ile444Thr; replaces isoleucine 444 with threonine.
Molecular consequence: missense variant. On other transcripts: 3 prime UTR variant (1).
Genome position (GRCh38, 1-based): chr5:162,153,271, T>C. VCF-style: chr5-162153271-T-C. GRCh37 (hg19) VCF-style: chr5-161580277-T-C.
Other names: c.1307T>C, p.Ile436Thr (NM_000816.3); c.1322T>C, p.Ile441Thr (NM_001375339.1); c.*165T>C (NM_001375340.1); c.1328T>C, p.Ile443Thr (NM_001375341.1); c.1304T>C, p.Ile435Thr (NM_001375342.1); c.1427T>C, p.Ile476Thr (NM_001375343.1); c.1370T>C, p.Ile457Thr (NM_001375344.1); c.1241T>C, p.Ile414Thr (NM_001375345.1); and 6 more; short protein forms I296T, I304T, I341T, I414T, I415T, I422T, I435T, I436T.
Identifiers: ClinVar variation 1021310 (VCV001021310.9), dbSNP rs1765504023, ClinGen allele CA362183843.

ClinVar aggregate classification (germline): Uncertain significance (1 of 4 stars; one submission).

Conditions:
Febrile seizures, familial, 8 (FEB8). Also called: CONVULSIONS, FAMILIAL FEBRILE, 8. Identifiers: Orphanet 36387, MedGen C1969810, MONDO:0011891, OMIM 607681.
EPILEPSY, CHILDHOOD ABSENCE, SUSCEPTIBILITY TO, 2 (ECA2). Identifiers: Orphanet 64280, MedGen C1843244, OMIM 607681.

Submission:

Labcorp Genetics (formerly Invitae), Labcorp
Classification: Uncertain significance for Febrile seizures, familial, 8; EPILEPSY, CHILDHOOD ABSENCE, SUSCEPTIBILITY TO, 2. Last evaluated: 2023-10-03. Review status: criteria provided, single submitter. Criteria: Invitae Variant Classification Sherloc (09022015). Collection method: clinical testing. Allele origin: germline.
Comment: This sequence change replaces isoleucine, which is neutral and non-polar, with threonine, which is neutral and polar, at codon 436 of the GABRG2 protein (p.Ile436Thr). This variant is not present in population databases (gnomAD no frequency). This missense change has been observed in individual(s) with GABRG2-related conditions (Invitae). This missense change has been observed in at least one individual who was not affected with GABRG2-related conditions (Invitae). ClinVar contains an entry for this variant (Variation ID: 1021310). Advanced modeling of protein sequence and biophysical properties (such as structural, functional, and spatial information, amino acid conservation, physicochemical variation, residue mobility, and thermodynamic stability) has been performed at Invitae for this missense variant, however the output from this modeling did not meet the statistical confidence thresholds required to predict the impact of this variant on GABRG2 protein function. In summary, the available evidence is currently insufficient to determine the role of this variant in disease. Therefore, it has been classified as a Variant of Uncertain Significance.